The following is an entry in ClinVar:

ClinVar aggregate classification (germline): Conflicting classifications of pathogenicity. Review status: criteria provided, conflicting classifications (1 of 4 stars). 3 submissions from 3 submitters: Uncertain significance (1); Likely benign (1). 1 of the submissions does not count toward it. Last evaluated 2025-06-09.

Conditions:
Hereditary cancer-predisposing syndrome. Also called: Neoplastic Syndromes, Hereditary; Hereditary neoplastic syndrome; Tumor predisposition; Hereditary Cancer Syndrome. Identifiers: Orphanet 140162, MedGen C0027672, MeSH D009386, MONDO:0015356.
Ataxia-telangiectasia syndrome (AT). Also called: Ataxia telangiectasia (A-T); Cerebello-oculocutaneous telangiectasia; Immunodeficiency with ataxia telangiectasia; LOUIS-BAR SYNDROME; AT, COMPLEMENTATION GROUP C; ATAXIA-TELANGIECTASIA, FRESNO VARIANT. Identifiers: Orphanet 100, MedGen C0004135, MONDO:0008840, OMIM 208900.

Submissions (3):

Labcorp Genetics (formerly Invitae), Labcorp
Classification: Uncertain significance for Ataxia-telangiectasia syndrome. Last evaluated: 2025-06-09. Review status: criteria provided, single submitter. Criteria: Invitae Variant Classification Sherloc (09022015). Collection method: clinical testing. Allele origin: germline.
Comment: This sequence change replaces lysine, which is basic and polar, with arginine, which is basic and polar, at codon 2589 of the ATM protein (p.Lys2589Arg). This variant is not present in population databases (gnomAD no frequency). This variant has not been reported in the literature in individuals affected with ATM-related conditions. ClinVar contains an entry for this variant (Variation ID: 236778). Invitae Evidence Modeling of protein sequence and biophysical properties (such as structural, functional, and spatial information, amino acid conservation, physicochemical variation, residue mobility, and thermodynamic stability) indicates that this missense variant is not expected to disrupt ATM protein function with a negative predictive value of 95%. In summary, the available evidence is currently insufficient to determine the role of this variant in disease. Therefore, it has been classified as a Variant of Uncertain Significance.

Ambry Genetics
Classification: Likely benign for Hereditary cancer-predisposing syndrome. Last evaluated: 2025-04-13. Review status: criteria provided, single submitter. Criteria: Ambry Variant Classification Scheme 2023. Collection method: clinical testing. Allele origin: germline.

Natera, Inc.
Classification: Uncertain significance for Ataxia-telangiectasia. Last evaluated: 2021-04-28. Review status: no assertion criteria provided. Collection method: clinical testing. Allele origin: germline. Not counted in ClinVar's aggregate classification.

Literature cited by the submitters: PubMed 30287823 (cited by Ambry Genetics).

NM_000051.4(ATM):c.7766A>G (p.Lys2589Arg)

Genes: ATM (ATM serine/threonine kinase; plus strand), C11orf65 (chromosome 11 open reading frame 65; minus strand). Cytogenetic location: 11q22.3.
Variant type: single nucleotide variant.
Coding change: c.7766A>G on transcript NM_000051.4 (MANE Select); coding-DNA position 7766, A replaced by G.
Protein change: p.Lys2589Arg; replaces lysine 2589 with arginine.
Molecular consequence: missense variant. On other transcripts: intron variant (2).
Genome position (GRCh38, 1-based): chr11:108,332,015, A>G. VCF-style: chr11-108332015-A-G. GRCh37 (hg19) VCF-style: chr11-108202742-A-G.
Other names: c.7766A>G, p.Lys2589Arg (NM_001351834.2); c.641-22944T>C (NM_001330368.2); c.*38+3205T>C (NM_001351110.2); short protein forms K2589R.
Identifiers: ClinVar variation 236778 (VCV000236778.23), dbSNP rs878853546, ClinGen allele CA10582856.